The following is an entry in ClinVar:

ClinVar aggregate classification (germline): Likely benign (1 of 4 stars; one submission).

Allele frequency attached by ClinVar (database versions not stated): gnomAD 0.00580 and 0.00616; 1000 Genomes Project 0.00779; 1000 Genomes Project 30x 0.00812; TOPMed 0.00608; gnomAD exomes 0.00041.
gnomAD v4.1: 876 of 165,162 alleles (0.53%); highest among the groups gnomAD compares: African/African-American, 2%; 9 homozygotes.

Submission:

GeneDx
Classification: Likely benign. Last evaluated: 2017-12-26. Review status: criteria provided, single submitter. Criteria: GeneDx Variant Classification (06012015). Collection method: clinical testing. Allele origin: germline. Affected: yes.
Comment: This variant is considered likely benign or benign based on one or more of the following criteria: it is a conservative change, it occurs at a poorly conserved position in the protein, it is predicted to be benign by multiple in silico algorithms, and/or has population frequency not consistent with disease.

NM_001085411.2(NADK2):c.-296T>C

Gene: NADK2 (NAD kinase 2, mitochondrial; minus strand). Cytogenetic location: 5p13.2.
Variant type: single nucleotide variant.
Coding change: c.-296T>C on transcript NM_001085411.2; 296 bases upstream of the start codon, T replaced by C.
Molecular consequence: splice donor variant (on NM_153013.5).
Genome position (GRCh38, 1-based): chr5:36,242,094, A>G on the plus strand (T>C on the coding strand, the complement: NADK2 is on the minus strand). VCF-style: chr5-36242094-A-G. GRCh37 (hg19) VCF-style: chr5-36242196-A-G.
Other names: c.-190+2T>C (NM_153013.5, NM_001287341.2).
Identifiers: ClinVar variation 385018 (VCV000385018.3), dbSNP rs140121684, ClinGen allele CA16604955.